The following is an entry in ClinVar:

ClinVar aggregate classification (germline): Conflicting classifications of pathogenicity. Review status: criteria provided, conflicting classifications (1 of 4 stars). 3 submissions from 2 submitters: Uncertain significance (1); Likely benign (2). Last evaluated 2023-08-30.

Conditions:
Autosomal recessive ataxia, Beauce type. Also called: SYNE1 Deficiency; SYNE1-Related Autosomal Recessive Cerebellar Ataxia; Spinocerebellar ataxia, autosomal recessive 8; ATAXIA, RECESSIVE, OF BEAUCE. Identifiers: Orphanet 88644, MedGen C1853116, MONDO:0012549, OMIM 610743.
Emery-Dreifuss muscular dystrophy 4, autosomal dominant (EDMD4). Also called: EMERY-DREIFUSS MUSCULAR DYSTROPHY 4 WITH VARIABLE FEATURES. Identifiers: Orphanet 261, MedGen C2751807, MONDO:0013071, OMIM 612998.

Allele frequency attached by ClinVar (database versions not stated): gnomAD exomes 0.00001 and 0.00002; ExAC 0.00002; gnomAD 0.00002 and 0.00003; TOPMed 0.00002.
gnomAD v4.1: 24 of 1,614,198 alleles (0.0015%); highest among the groups gnomAD compares: Middle Eastern, 0.049%; no homozygotes.

Submissions (3):

Labcorp Genetics (formerly Invitae), Labcorp
Classification: Likely benign for Emery-Dreifuss muscular dystrophy 4, autosomal dominant; Autosomal recessive ataxia, Beauce type. Last evaluated: 2023-08-30. Review status: criteria provided, single submitter. Criteria: Invitae Variant Classification Sherloc (09022015). Collection method: clinical testing. Allele origin: germline.

Illumina Laboratory Services, Illumina
Classification: Likely benign for Emery-Dreifuss muscular dystrophy 4, autosomal dominant. Last evaluated: 2018-01-12. Review status: criteria provided, single submitter. Criteria: ICSL Variant Classification Criteria 13 December 2019. Collection method: clinical testing. Allele origin: germline.
Comment: This variant was observed in the ICSL laboratory as part of a predisposition screen in an ostensibly healthy population. It had not been previously curated by ICSL or reported in the Human Gene Mutation Database (HGMD: prior to June 1st, 2018), and was therefore a candidate for classification through an automated scoring system. Utilizing variant allele frequency, disease prevalence and penetrance estimates, and inheritance mode, an automated score was calculated to assess if this variant is too frequent to cause the disease. Based on the score and internal cut-off values, a variant classified as likely benign is not then subjected to further curation. The score for this variant resulted in a classification of likely benign for this disease.

Illumina Laboratory Services, Illumina
Classification: Uncertain significance for Autosomal recessive ataxia, Beauce type. Last evaluated: 2018-01-12. Review status: criteria provided, single submitter. Criteria: ICSL Variant Classification Criteria 13 December 2019. Collection method: clinical testing. Allele origin: germline.

NM_182961.4(SYNE1):c.9960G>A (p.Thr3320=)

Gene: SYNE1 (spectrin repeat containing nuclear envelope protein 1; minus strand). Cytogenetic location: 6q25.2.
Variant type: single nucleotide variant.
Coding change: c.9960G>A on transcript NM_182961.4 (MANE Select); coding-DNA position 9960, G replaced by A.
Protein change: p.Thr3320=; no amino-acid change (threonine 3320 retained).
Molecular consequence: synonymous variant.
Genome position (GRCh38, 1-based): chr6:152,367,230, C>T on the plus strand (G>A on the coding strand, the complement: SYNE1 is on the minus strand). VCF-style: chr6-152367230-C-T. GRCh37 (hg19) VCF-style: chr6-152688365-C-T.
Other names: c.9981G>A, p.Thr3327= (NM_033071.5).
Identifiers: ClinVar variation 355892 (VCV000355892.17), dbSNP rs747731841, ClinGen allele CA4057150.